The following is an entry in ClinVar:

ClinVar aggregate classification (germline): Uncertain significance (1 of 4 stars; one submission).

Submission:

GeneDx
Classification: Uncertain significance. Last evaluated: 2017-04-12. Review status: criteria provided, single submitter. Criteria: GeneDx Variant Classification (06012015). Collection method: clinical testing. Allele origin: germline. Affected: yes.
Comment: The V612E variant in the SCN4A gene has not been reported previously as a pathogenic variant, nor as a benign variant, to our knowledge. The V612E variant is not observed in large population cohorts (Lek et al., 2016; 1000 Genomes Consortium et al., 2015; Exome Variant Server). The V612E variant is a non-conservative amino acid substitution, which is predicted to be within the transmembrane segment S2 of the second homologous domain at a position that is conserved across species. In silico analysis predicts this variant is probably damaging to the protein structure/function.

NM_000334.4(SCN4A):c.1835T>A (p.Val612Glu)

Gene: SCN4A (sodium voltage-gated channel alpha subunit 4; minus strand). Cytogenetic location: 17q23.3.
Variant type: single nucleotide variant.
Coding change: c.1835T>A on transcript NM_000334.4 (MANE Select); coding-DNA position 1835, T replaced by A.
Protein change: p.Val612Glu; replaces valine 612 with glutamic acid.
Molecular consequence: missense variant.
Genome position (GRCh38, 1-based): chr17:63,961,203, A>T on the plus strand (T>A on the coding strand, the complement: SCN4A is on the minus strand). VCF-style: chr17-63961203-A-T. GRCh37 (hg19) VCF-style: chr17-62038563-A-T.
Other names: short protein forms V612E.
Identifiers: ClinVar variation 426575 (VCV000426575.2), dbSNP rs926617193, ClinGen allele CA400632785.